The following is an entry in ClinVar:

ClinVar aggregate classification (germline): Benign (0 of 4 stars; one submission).

Conditions:
HAVCR1-related disorder. Also called: HAVCR1-related condition.

Allele frequency attached by ClinVar (database versions not stated): ESP Exome Variant Server 0.85400; gnomAD 0.86740; TOPMed 0.87284; ExAC 0.88461; 1000 Genomes Project 30x 0.91131; 1000 Genomes Project 0.91254.
gnomAD v4.1: 1,382,898 of 1,613,744 alleles (86%); highest among the groups gnomAD compares: East Asian, 98%; 594,062 homozygotes.

Submission:

PreventionGenetics, part of Exact Sciences
Classification: Benign for HAVCR1-related condition. Last evaluated: 2019-10-17. Review status: no assertion criteria provided. Collection method: clinical testing. Allele origin: germline.
Comment: This variant is classified as benign based on ACMG/AMP sequence variant interpretation guidelines (Richards et al. 2015 PMID: 25741868, with internal and published modifications).

NM_001173393.3(HAVCR1):c.536T>C (p.Leu179Pro)

Gene: HAVCR1 (hepatitis A virus cellular receptor 1; minus strand). Cytogenetic location: 5q33.3.
Variant type: single nucleotide variant.
Coding change: c.536T>C on transcript NM_001173393.3 (MANE Select); coding-DNA position 536, T replaced by C.
Protein change: p.Leu179Pro; replaces leucine 179 with proline.
Molecular consequence: missense variant.
Genome position (GRCh38, 1-based): chr5:157,052,498, A>G on the plus strand (T>C on the coding strand, the complement: HAVCR1 is on the minus strand). VCF-style: chr5-157052498-A-G. GRCh37 (hg19) VCF-style: chr5-156479509-A-G.
Other names: c.536T>C, p.Leu179Pro (NM_001308156.2, NM_012206.3); short protein forms L179P.
Identifiers: ClinVar variation 3059144 (VCV003059144.2), dbSNP rs1553316, ClinGen allele CA3531559.